The following is an entry in ClinVar:

ClinVar aggregate classification (germline): Pathogenic/Likely pathogenic. Review status: criteria provided, multiple submitters, no conflicts (2 of 4 stars). 5 submissions from 5 submitters: Pathogenic (2); Likely pathogenic (2). 1 of the submissions does not count toward it. Last evaluated 2025-12-16.

Conditions:
Mucopolysaccharidosis type 7 (MPS7). Also called: MPS VII; BETA-GLUCURONIDASE DEFICIENCY; SLY SYNDROME; GUSB DEFICIENCY. Identifiers: Orphanet 584, MedGen C0085132, MONDO:0009662, OMIM 253220.

Allele frequency attached by ClinVar (database versions not stated): ExAC 0.00001; gnomAD exomes 0.00002 and 0.00003; gnomAD 0.00003 and 0.00004; TOPMed 0.00003.
gnomAD v4.1: 42 of 1,612,926 alleles (0.0026%); highest among the groups gnomAD compares: African/African-American, 0.004%; no homozygotes.

Submissions (5):

Victorian Clinical Genetics Services, Murdoch Childrens Research Institute
Classification: Pathogenic for Mucopolysaccharidosis type 7. Last evaluated: 2025-12-16. Review status: criteria provided, single submitter. Criteria: ACMG Guidelines, 2015. Collection method: clinical testing. Allele origin: germline. Affected: yes.
Comment: This variant is classified as Pathogenic. Evidence in support of pathogenic classification: Variant is present in gnomAD <0.01 for a recessive condition (v4: 42 heterozygote(s), 0 homozygote(s)); This variant has strong previous evidence of pathogenicity in unrelated individuals. It has been classified as pathogenic and likely pathogenic by clinical laboratories (ClinVar). It has also been reported in the literature in multiple individuals affected with mucopolysaccharidosis VII (PMIDs: 2115490, 32079065, 1702266, 30653816), with some reports specifying the variant to be associated with an attenuated phenotype. - This variant has moderate functional evidence supporting abnormal protein function. In vitro functional expression studied showed that the mutant protein resulted in decreased enzyme activity (PMID: 1702266, 7633414); Missense variant predicted to be damaging by in silico tool(s) or highly conserved with a major amino acid change. Additional information: Variant is predicted to result in a missense amino acid change from Ala to Val; This variant is homozygous; This gene is associated with autosomal recessive disease; No comparable missense variants have previous evidence for pathogenicity; Variant is located in the annotated glycosyl hydrolases family 2, TIM barrel domain (DECIPHER); Loss of function is a known mechanism of disease in this gene and is associated with mucopolysaccharidosis VII (MIM#253220); Variants in this gene are known to have variable expressivity (OMIM, PMID: 19224584).

Labcorp Genetics (formerly Invitae), Labcorp
Classification: Pathogenic for Mucopolysaccharidosis type 7. Last evaluated: 2025-03-14. Review status: criteria provided, single submitter. Criteria: Invitae Variant Classification Sherloc (09022015). Collection method: clinical testing. Allele origin: germline.
Comment: This sequence change replaces alanine, which is neutral and non-polar, with valine, which is neutral and non-polar, at codon 619 of the GUSB protein (p.Ala619Val). This variant is present in population databases (rs121918172, gnomAD 0.006%). This missense change has been observed in individual(s) with mucopolysaccharidosis Type VII (PMID: 1779626, 2115490, 30653816). ClinVar contains an entry for this variant (Variation ID: 893). Invitae Evidence Modeling of protein sequence and biophysical properties (such as structural, functional, and spatial information, amino acid conservation, physicochemical variation, residue mobility, and thermodynamic stability) indicates that this missense variant is not expected to disrupt GUSB protein function with a negative predictive value of 80%. Experimental studies have shown that this missense change affects GUSB function (PMID: 1702266, 1779626, 2115490, 7633414, 19224584). For these reasons, this variant has been classified as Pathogenic.

Fulgent Genetics
Classification: Likely pathogenic for Mucopolysaccharidosis type 7. Last evaluated: 2024-04-18. Review status: criteria provided, single submitter. Criteria: ACMG Guidelines, 2015. Collection method: clinical testing. Allele origin: germline.

GeneDx
Classification: Likely pathogenic. Last evaluated: 2023-12-07. Review status: criteria provided, single submitter. Criteria: GeneDx Variant Classification Process June 2021. Collection method: clinical testing. Allele origin: germline. Affected: yes.
Comment: In silico analysis supports that this missense variant has a deleterious effect on protein structure/function; Not observed at significant frequency in large population cohorts (gnomAD); This variant is associated with the following publications: (PMID: 2115490, 7633414, 32079065, 28595941, 8411710, 1702266, 19224584, 23777470, 1779626, 9543069, 32857898, 30653816)

OMIM
Classification: Pathogenic for MUCOPOLYSACCHARIDOSIS, TYPE VII. Last evaluated: 1991-01-01. Review status: no assertion criteria provided. Collection method: literature only. Allele origin: germline. Not counted in ClinVar's aggregate classification.

Literature cited by the submitters: PubMed 1702266 (cited by 3 submitters); PubMed 7633414 (cited by Victorian Clinical Genetics Services, Murdoch Childrens Research Institute and Labcorp Genetics (formerly Invitae), Labcorp); PubMed 32079065 (cited by Victorian Clinical Genetics Services, Murdoch Childrens Research Institute); PubMed 2115490 (cited by Victorian Clinical Genetics Services, Murdoch Childrens Research Institute and Labcorp Genetics (formerly Invitae), Labcorp); PubMed 30653816 (cited by Victorian Clinical Genetics Services, Murdoch Childrens Research Institute and Labcorp Genetics (formerly Invitae), Labcorp); PubMed 19224584 (cited by Victorian Clinical Genetics Services, Murdoch Childrens Research Institute and Labcorp Genetics (formerly Invitae), Labcorp); PubMed 1779626 (cited by Labcorp Genetics (formerly Invitae), Labcorp).

NM_000181.4(GUSB):c.1856C>T (p.Ala619Val)

Gene: GUSB (glucuronidase beta; minus strand). Cytogenetic location: 7q11.21.
Variant type: single nucleotide variant.
Coding change: c.1856C>T on transcript NM_000181.4 (MANE Select); coding-DNA position 1856, C replaced by T.
Protein change: p.Ala619Val; replaces alanine 619 with valine.
Molecular consequence: missense variant. On other transcripts: non-coding transcript variant (1).
Genome position (GRCh38, 1-based): chr7:65,960,997, G>A on the plus strand (C>T on the coding strand, the complement: GUSB is on the minus strand). VCF-style: chr7-65960997-G-A. GRCh37 (hg19) VCF-style: chr7-65425984-G-A.
Other names: c.1856C>T (NM_000181.3); c.1418C>T, p.Ala473Val (NM_001284290.2); c.1286C>T, p.Ala429Val (NM_001293104.2); c.1199C>T, p.Ala400Val (NM_001293105.2); short protein forms A619V, A400V, A429V, A473V.
Identifiers: ClinVar variation 893 (VCV000000893.12), dbSNP rs121918172, ClinGen allele CA339838.
Genomic context (GRCh38, chr7:65,960,997, plus strand): 5'-ACTGAGTGGGGATACCTGGTTTCATTGGCAATCTTCCAGTATCTCTCTCGCAAAAGGAAC[G>A]CTGCACTTTTTGGTTGTCTCTGCCGAGTGAAGATCCCCTTTTTATTCCCCAGCACTCTCG-3'
Protein context (NP_000172.2, residues 609-629): FTRQRQPKSA[Ala619Val]FLLRERYWKI